The following is an entry in ClinVar:

NM_001319074.4(RAX2):c.162_163del (p.Tyr55fs)

Gene: RAX2 (retina and anterior neural fold homeobox 2; minus strand). Cytogenetic location: 19p13.3.
Variant type: Microsatellite.
Coding change: c.162_163del on transcript NM_001319074.4 (MANE Select); coding-DNA positions 162 to 163, 2 bases deleted (GT; older notation c.162_163delGT).
Protein change: p.Tyr55fs; shifts the reading frame from tyrosine 55.
Molecular consequence: frameshift variant.
Genome position (GRCh38, 1-based): chr19:3,771,580-3,771,581, AC deleted on the plus strand (GT on the coding strand, the reverse complement: RAX2 is on the minus strand); deleting any 2 consecutive bases within chr19:3,771,580-3,771,584 gives the same sequence; the c. name uses the placement nearest the transcript's 3' end. VCF-style (leftmost placement, unchanged base first): chr19-3771579-TAC-T. GRCh37 (hg19) VCF-style: chr19-3771577-TAC-T.
Other names: c.162_163del, p.Tyr55fs (NM_032753.4); short protein forms Y55fs.
Identifiers: ClinVar variation 1952391 (VCV001952391.5), dbSNP rs2512318480, ClinGen allele CA2580613024.
Genomic context (GRCh38, chr19:3,771,579, plus strand): 5'-GCCCTCACCTGCACGCGCACCTCAGGTAGGTGCACCTTGGCTGCCAGCTCCTCACGGCTG[TAC>T]ACATCCGGGTAGTGAGAGGCCTCGAACGCCCGCTCCAGCTGGTGCAGCTGGTAGGTGGTG-3'

ClinVar aggregate classification (germline): Pathogenic (1 of 4 stars; one submission).

Submission:

Labcorp Genetics (formerly Invitae), Labcorp
Classification: Pathogenic. Last evaluated: 2024-04-24. Review status: criteria provided, single submitter. Criteria: Invitae Variant Classification Sherloc (09022015). Collection method: clinical testing. Allele origin: germline.
Comment: This sequence change creates a premature translational stop signal (p.Tyr55Glnfs*3) in the RAX2 gene. It is expected to result in an absent or disrupted protein product. Loss-of-function variants in RAX2 are known to be pathogenic (PMID: 30377383). This variant is not present in population databases (gnomAD no frequency). This variant has not been reported in the literature in individuals affected with RAX2-related conditions. For these reasons, this variant has been classified as Pathogenic.

Literature cited by the submitters: PubMed 30377383.